The following is an entry in ClinVar:

ClinVar aggregate classification (germline): Uncertain significance (1 of 4 stars; one submission).

Submission:

ISCA site 4
Classification: Uncertain significance. Last evaluated: 2011-08-12. Review status: criteria provided, single submitter. Criteria: Kaminsky et al. (Genet Med. 2011). Collection method: clinical testing. Allele origin: unknown. Affected: yes. Observed: 1 variant allele.
Comment: Copy number variation identified through the course of routine clinical cytogenomic testing in postnatal populations. Clinical assertions have been curated as described in Kaminsky et al. 2011.

GRCh38/hg38 16q24.3(chr16:89665706-90081985)x3

Genes: CDK10 (cyclin dependent kinase 10; plus strand), CENPBD1 (CENPB DNA-binding domain containing 1; minus strand), DBNDD1 (dysbindin domain containing 1; minus strand), DEF8 (differentially expressed in FDCP 8 homolog; plus strand), DRC4 (dynein regulatory complex subunit 4; plus strand) and 65 more. Cytogenetic location: 16q24.3.
Variant type: copy number gain.
Change: copy number 3 (three copies instead of two) of chr16:89,665,706-90,081,985 (416.3 kb, GRCh38 coordinates, 1-based), cytogenetic band 16q24.3.
Identifiers: ClinVar variation 60065 (VCV000060065.1).